The following is an entry in ClinVar:

NM_000444.6(PHEX):c.2140del (p.Gln714fs)

Genes: PHEX (phosphate regulating endopeptidase X-linked; plus strand), PTCHD1-AS (PTCHD1 and PHEX antisense RNA; minus strand). Cytogenetic location: Xp22.11.
Variant type: Deletion.
Coding change: c.2140del on transcript NM_000444.6 (MANE Select); coding-DNA position 2140, one base deleted (C; older notation c.2140delC).
Protein change: p.Gln714fs; shifts the reading frame from glutamine 714.
Molecular consequence: frameshift variant. On other transcripts: intron variant (1).
Genome position (GRCh38, 1-based): chrX:22,245,402, C deleted. VCF-style (leftmost placement, unchanged base first): chrX-22245401-TC-T. GRCh37 (hg19) VCF-style: chrX-22263518-TC-T.
Other names: c.2071-2449del (NM_001282754.2); short protein forms Q714fs.
Identifiers: ClinVar variation 954868 (VCV000954868.8), dbSNP rs1936362707, ClinGen allele CA1139667320.

ClinVar aggregate classification (germline): Pathogenic (1 of 4 stars; one submission).

Submission:

Labcorp Genetics (formerly Invitae), Labcorp
Classification: Pathogenic. Last evaluated: 2019-09-16. Review status: criteria provided, single submitter. Criteria: Invitae Variant Classification Sherloc (09022015). Collection method: clinical testing. Allele origin: germline.
Comment: For these reasons, this variant has been classified as Pathogenic. This variant disrupts the C-terminus of the PHEX protein. Other variant(s) that disrupt this region (p.Arg747*) have been determined to be pathogenic (PMID: 9199930, 9768674). This suggests that variants that disrupt this region of the protein are likely to be causative of disease. This variant has not been reported in the literature in individuals with PHEX-related conditions. This variant is not present in population databases (ExAC no frequency). This sequence change results in a premature translational stop signal in the PHEX gene (p.Gln714Serfs*26). While this is not anticipated to result in nonsense mediated decay, it is expected to disrupt the last 36 amino acids of the PHEX protein.

Literature cited by the submitters: PubMed 9199930; PubMed 9768674.